The following is an entry in ClinVar:

NM_000562.3(C8A):c.553T>G (p.Trp185Gly)

Gene: C8A (complement C8 alpha chain; plus strand). Cytogenetic location: 1p32.2.
Variant type: single nucleotide variant.
Coding change: c.553T>G on transcript NM_000562.3 (MANE Select); coding-DNA position 553, T replaced by G.
Protein change: p.Trp185Gly; replaces tryptophan 185 with glycine.
Molecular consequence: missense variant.
Genome position (GRCh38, 1-based): chr1:56,881,533, T>G. VCF-style: chr1-56881533-T-G. GRCh37 (hg19) VCF-style: chr1-57347206-T-G.
Other names: short protein forms W185G.
Identifiers: ClinVar variation 4725521 (VCV004725521.1).

ClinVar aggregate classification (germline): Uncertain significance (1 of 4 stars; one submission).

Submission:

Labcorp Genetics (formerly Invitae), Labcorp
Classification: Uncertain significance. Last evaluated: 2025-08-16. Review status: criteria provided, single submitter. Criteria: Invitae Variant Classification Sherloc (09022015). Collection method: clinical testing. Allele origin: germline.
Comment: This sequence change replaces tryptophan, which is neutral and slightly polar, with glycine, which is neutral and non-polar, at codon 185 of the C8A protein (p.Trp185Gly). This variant is not present in population databases (gnomAD no frequency). This variant has not been reported in the literature in individuals affected with C8A-related conditions. An algorithm developed to predict the effect of missense changes on protein structure and function (PolyPhen-2) suggests that this variant is likely to be disruptive. In summary, the available evidence is currently insufficient to determine the role of this variant in disease. Therefore, it has been classified as a Variant of Uncertain Significance.